The following is an entry in ClinVar:

NM_000057.4(BLM):c.972C>A (p.Asp324Glu)

Gene: BLM (BLM RecQ like helicase; plus strand). Cytogenetic location: 15q26.1.
Variant type: single nucleotide variant.
Coding change: c.972C>A on transcript NM_000057.4 (MANE Select); coding-DNA position 972, C replaced by A.
Protein change: p.Asp324Glu; replaces aspartic acid 324 with glutamic acid.
Molecular consequence: missense variant. On other transcripts: 5 prime UTR variant (1).
Genome position (GRCh38, 1-based): chr15:90,754,823, C>A. VCF-style: chr15-90754823-C-A. GRCh37 (hg19) VCF-style: chr15-91298053-C-A.
Other names: c.972C>A, p.Asp324Glu (NM_001287246.2, NM_001287247.2); c.-320C>A (NM_001287248.2); short protein forms D324E.
Identifiers: ClinVar variation 2845518 (VCV002845518.3), dbSNP rs769094708, ClinGen allele CA7738404.
Genomic context (GRCh38, chr15:90,754,823, plus strand): 5'-TGAGTCTAGCCTATAGTATGATTGGCTTAACATTTTTTTTATTTGCAGTACGTTAAAGGA[C>A]CTTGACACCTCTGACAGAAAAGAGGATGTTCTTAGCACATCAAAAGATCTTTTGTCAAAA-3'
Protein context (NP_000048.1, residues 314-334): SSSKCLSTLK[Asp324Glu]LDTSDRKEDV

ClinVar aggregate classification (germline): Uncertain significance (1 of 4 stars; one submission).

Conditions:
Bloom syndrome (BLM). Also called: Bloom-Torre-Machacek syndrome. Identifiers: Orphanet 125, MedGen C0005859, MONDO:0008876, OMIM 210900.

Allele frequency attached by ClinVar (database versions not stated): ExAC 0.00001.
gnomAD v4.1: 1 of 1,613,692 alleles (0.000062%); highest among the groups gnomAD compares: South Asian, 0.0011%; no homozygotes.

Submission:

Labcorp Genetics (formerly Invitae), Labcorp
Classification: Uncertain significance for Bloom syndrome. Last evaluated: 2023-10-09. Review status: criteria provided, single submitter. Criteria: Invitae Variant Classification Sherloc (09022015). Collection method: clinical testing. Allele origin: germline.
Comment: This sequence change replaces aspartic acid, which is acidic and polar, with glutamic acid, which is acidic and polar, at codon 324 of the BLM protein (p.Asp324Glu). This variant is present in population databases (rs769094708, gnomAD 0.007%). This variant has not been reported in the literature in individuals affected with BLM-related conditions. Advanced modeling of protein sequence and biophysical properties (such as structural, functional, and spatial information, amino acid conservation, physicochemical variation, residue mobility, and thermodynamic stability) performed at Invitae indicates that this missense variant is not expected to disrupt BLM protein function. In summary, the available evidence is currently insufficient to determine the role of this variant in disease. Therefore, it has been classified as a Variant of Uncertain Significance.